The following is an entry in ClinVar:

NM_198904.4(GABRG2):c.1291G>C (p.Asp431His)

Gene: GABRG2 (gamma-aminobutyric acid type A receptor subunit gamma2; plus strand). Cytogenetic location: 5q34.
Variant type: single nucleotide variant.
Coding change: c.1291G>C on transcript NM_198904.4 (MANE Select); coding-DNA position 1291, G replaced by C.
Protein change: p.Asp431His; replaces aspartic acid 431 with histidine.
Molecular consequence: missense variant. On other transcripts: 3 prime UTR variant (1).
Genome position (GRCh38, 1-based): chr5:162,153,231, G>C. VCF-style: chr5-162153231-G-C. GRCh37 (hg19) VCF-style: chr5-161580237-G-C.
Other names: c.1267G>C, p.Asp423His (NM_000816.3); c.1282G>C, p.Asp428His (NM_001375339.1); c.*125G>C (NM_001375340.1); c.1288G>C, p.Asp430His (NM_001375341.1); c.1264G>C, p.Asp422His (NM_001375342.1); c.1387G>C, p.Asp463His (NM_001375343.1); c.1330G>C, p.Asp444His (NM_001375344.1); c.1201G>C, p.Asp401His (NM_001375345.1); and 6 more; short protein forms D283H, D291H, D328H, D401H, D402H, D409H, D422H, D423H.
Identifiers: ClinVar variation 2428830 (VCV002428830.4), dbSNP rs1344138083, ClinGen allele CA362183677.

ClinVar aggregate classification (germline): Uncertain significance (1 of 4 stars; one submission).

Submission:

GeneDx
Classification: Uncertain significance. Last evaluated: 2024-12-05. Review status: criteria provided, single submitter. Criteria: GeneDx Variant Classification Process June 2021. Collection method: clinical testing. Allele origin: germline.
Comment: Not observed at significant frequency in large population cohorts (gnomAD); In silico analysis supports that this missense variant has a deleterious effect on protein structure/function; Has not been previously published as pathogenic or benign to our knowledge